The following is an entry in ClinVar:

NM_032578.4(MYPN):c.716A>G (p.Glu239Gly)

Gene: MYPN (myopalladin; plus strand). Cytogenetic location: 10q21.3.
Variant type: single nucleotide variant.
Coding change: c.716A>G on transcript NM_032578.4 (MANE Select); coding-DNA position 716, A replaced by G.
Protein change: p.Glu239Gly; replaces glutamic acid 239 with glycine.
Molecular consequence: missense variant. On other transcripts: 5 prime UTR variant (1), non-coding transcript variant (1).
Genome position (GRCh38, 1-based): chr10:68,122,154, A>G. VCF-style: chr10-68122154-A-G. GRCh37 (hg19) VCF-style: chr10-69881911-A-G.
Other names: c.716A>G, p.Glu239Gly (NM_001256267.2); c.-407A>G (NM_001256268.2); short protein forms E239G.
Identifiers: ClinVar variation 1757462 (VCV001757462.2), dbSNP rs1389921120, ClinGen allele CA377104969.

ClinVar aggregate classification (germline): Uncertain significance (1 of 4 stars; one submission).

Conditions:
Cardiovascular phenotype. Identifiers: MedGen CN230736.

Allele frequency attached by ClinVar (database versions not stated): TOPMed below 0.00001.
gnomAD v4.1: 3 of 1,612,422 alleles (0.00019%); highest among the groups gnomAD compares: South Asian, 0.0011%; no homozygotes.

Submission:

Ambry Genetics
Classification: Uncertain significance for Cardiovascular phenotype. Last evaluated: 2022-08-17. Review status: criteria provided, single submitter. Criteria: Ambry Variant Classification Scheme 2023. Collection method: clinical testing. Allele origin: germline.
Comment: The p.E239G variant (also known as c.716A>G), located in coding exon 1 of the MYPN gene, results from an A to G substitution at nucleotide position 716. The glutamic acid at codon 239 is replaced by glycine, an amino acid with similar properties. This amino acid position is conserved. In addition, this alteration is predicted to be tolerated by in silico analysis. Since supporting evidence is limited at this time, the clinical significance of this alteration remains unclear.